The following is an entry in ClinVar:

ClinVar aggregate classification (germline): Pathogenic. Review status: criteria provided, single submitter (1 of 4 stars). 2 submissions from 2 submitters: Pathogenic (1). 1 of the submissions does not count toward it. Last evaluated 2019-11-26.

Conditions:
Steinert myotonic dystrophy syndrome (DM1). Also called: STEINERT DISEASE; Myotonic dystrophy type 1; Dystrophia myotonica type 1; Steinert myotonic dystrophy; Steinert's disease. Identifiers: Orphanet 273, MedGen C3250443, MONDO:0008056, OMIM 160900.

Submissions (2):

Neuromuscular Research, Maastricht University Medical Centre
Classification: Pathogenic for Steinert myotonic dystrophy syndrome. Last evaluated: 2019-11-26. Review status: criteria provided, single submitter. Criteria: Best practice guidelines on molecular diagnosis DM1 and DM2, Kamsteeg et al. 2012. Collection method: clinical testing. Allele origin: paternal. Affected: yes.

Institute of Molecular, Cell and Systems Biology, University of Glasgow
Classification: Pathogenic for Steinert myotonic dystrophy syndrome. Review status: no assertion criteria provided. Criteria: research. Collection method: research. Allele origin: germline. Inheritance: Autosomal dominant inheritance. Affected: yes. Observed: 1 heterozygote. Not counted in ClinVar's aggregate classification.
Comment: DMPK CTG repeat expansions greater than approximately 45-50 repeats are assumed to be pathogenic

This record is based on data published in PubMed 25052313, which reports only ClinVar accessions SCV000120188 and SCV000120189. The complete data set includes SCV000207445 - SCV000207579.

Literature cited by the submitters: PubMed 32203199 (cited by Neuromuscular Research, Maastricht University Medical Centre); PubMed 1346923 (cited by Institute of Molecular, Cell and Systems Biology, University of Glasgow); PubMed 1546326 (cited by Institute of Molecular, Cell and Systems Biology, University of Glasgow); PubMed 25052313 (cited by Institute of Molecular, Cell and Systems Biology, University of Glasgow).

NM_004409.5(DMPK):c.*224CTG[72]

Genes: DM1-AS (DM1 locus antisense RNA; plus strand), DMPK (DM1 protein kinase; minus strand), LOC107075317 (origin of replication in DMPK trinucleotide repeat region; plus strand), LOC109461477 (dystrophia myotonica protein kinase repeat instability region; plus strand). Cytogenetic location: 19q13.32.
Variant type: Microsatellite.
Coding change: c.*224CTG[72] on transcript NM_004409.5 (MANE Select); 72 copies in a row of the 3-base unit CTG starting at c.*224.
Molecular consequence: 3 prime UTR variant.
Genome position: GRCh38, VCF-style position (the base before the change): chr19:45,770,204. GRCh37 (hg19), VCF-style position (the base before the change): chr19:46,273,462.
Other names: DM1 CTG repeat expansion; c.*224CTG[72] (NM_001081560.3, NM_001288764.2, NM_001424165.1 and 1 more transcripts); c.*217CTG[72] (NM_001081562.3, NM_001288765.2, NM_001424162.1 and 2 more transcripts); c.*222_*224TGC[72] (NM_001081563.3); c.*369CTG[72] (NM_001288766.2, NM_001424164.1, NM_001424168.1).
Identifiers: ClinVar variation 188024 (VCV000188024.3), ClinGen allele CA915951854.